The following is an entry in ClinVar:

NM_001267550.2(TTN):c.60954G>A (p.Val20318=)

Genes: TTN (titin; minus strand), TTN-AS1 (TTN antisense RNA 1; plus strand). Cytogenetic location: 2q31.2.
Variant type: single nucleotide variant.
Coding change: c.60954G>A on transcript NM_001267550.2 (MANE Select); coding-DNA position 60954, G replaced by A.
Protein change: p.Val20318=; no amino-acid change (valine 20318 retained).
Molecular consequence: synonymous variant.
Genome position (GRCh38, 1-based): chr2:178,590,771, C>T on the plus strand (G>A on the coding strand, the complement: TTN is on the minus strand). VCF-style: chr2-178590771-C-T. GRCh37 (hg19) VCF-style: chr2-179455498-C-T.
Other names: c.56031G>A, p.Val18677= (NM_001256850.1); c.33759G>A, p.Val11253= (NM_003319.4); c.53250G>A, p.Val17750= (NM_133378.4); c.34134G>A, p.Val11378= (NM_133432.3); c.34335G>A, p.Val11445= (NM_133437.4).
Identifiers: ClinVar variation 1622870 (VCV001622870.14), dbSNP rs748022439, ClinGen allele CA1992420.

ClinVar aggregate classification (germline): Likely benign. Review status: criteria provided, multiple submitters, no conflicts (2 of 4 stars). 3 submissions from 3 submitters: Likely benign (3). Last evaluated 2026-07-10.

Conditions:
TTN-related disorder. Also called: TTN-related disorders; TTN-related condition; TTN-related disease.
Cardiovascular phenotype. Identifiers: MedGen CN230736.
Autosomal recessive limb-girdle muscular dystrophy type 2J (LGMDR10). Also called: MUSCULAR DYSTROPHY, LIMB-GIRDLE, AUTOSOMAL RECESSIVE 10; Limb-girdle muscular dystrophy, type 2J. Identifiers: Orphanet 140922, MedGen C1837342, MONDO:0012127, OMIM 608807.
Dilated cardiomyopathy 1G (CMD1G). Identifiers: Orphanet 154, MedGen C1858763, MONDO:0011400, OMIM 604145.

Allele frequency attached by ClinVar (database versions not stated): gnomAD exomes below 0.00001 and 0.00001; ExAC 0.00001; gnomAD 0.00003; TOPMed 0.00003.
gnomAD v4.1: 6 of 1,607,302 alleles (0.00037%); highest among the groups gnomAD compares: African/African-American, 0.0067%; no homozygotes.

Submissions (3):

PreventionGenetics, part of Exact Sciences
Classification: Likely benign for TTN-related condition. Last evaluated: 2026-07-10. Review status: criteria provided, single submitter. Criteria: ACMG Guidelines, 2015. Collection method: clinical testing. Allele origin: germline.
Comment: This variant is classified as likely benign based on ACMG/AMP sequence variant interpretation guidelines (Richards et al. 2015 PMID: 25741868, with internal and published modifications).

Labcorp Genetics (formerly Invitae), Labcorp
Classification: Likely benign for Dilated cardiomyopathy 1G; Autosomal recessive limb-girdle muscular dystrophy type 2J. Last evaluated: 2024-08-11. Review status: criteria provided, single submitter. Criteria: Invitae Variant Classification Sherloc (09022015). Collection method: clinical testing. Allele origin: germline.

Ambry Genetics
Classification: Likely benign for Cardiovascular phenotype. Last evaluated: 2020-12-16. Review status: criteria provided, single submitter. Criteria: Ambry Variant Classification Scheme 2023. Collection method: clinical testing. Allele origin: germline.